The following is an entry in ClinVar:

NM_001281740.3(FHOD3):c.2382G>A (p.Glu794=)

Gene: FHOD3 (formin homology 2 domain containing 3; plus strand). Cytogenetic location: 18q12.2.
Variant type: single nucleotide variant.
Coding change: c.2382G>A on transcript NM_001281740.3 (MANE Select); coding-DNA position 2382, G replaced by A.
Protein change: p.Glu794=; no amino-acid change (glutamic acid 794 retained).
Molecular consequence: synonymous variant.
Genome position (GRCh38, 1-based): chr18:36,709,240, G>A. VCF-style: chr18-36709240-G-A. GRCh37 (hg19) VCF-style: chr18-34289203-G-A.
Other names: c.2382G>A (NM_001281740.2); c.1806G>A, p.Glu602= (NM_001281739.3); c.1857G>A, p.Glu619= (NM_025135.5).
Identifiers: ClinVar variation 4938776 (VCV004938776.2).
Genomic context (GRCh38, chr18:36,709,240, plus strand): 5'-GGACATAGCCTCTGCCCACGAGGGTGCAGAGACTGAAGTGGAGCAGGCACTAGAGCAAGA[G>A]CCGGAAGAAAGAGCCTCCCTCAGTGAAAAAGAGAGGCAGAACGAGGGGGTGAACGAGAGG-3'
Protein context (NP_001268669.1, residues 784-804): ETEVEQALEQ[Glu794=]PEERASLSEK

ClinVar aggregate classification (germline): Likely benign. Review status: criteria provided, multiple submitters, no conflicts (2 of 4 stars). 2 submissions from 2 submitters: Likely benign (2). Last evaluated 2026-01-12.

Conditions:
FHOD3-related disorder. Also called: FHOD3-related condition.

gnomAD v4.1: 746 of 1,614,202 alleles (0.046%); highest among the groups gnomAD compares: South Asian, 0.16%; 2 homozygotes.

Submissions (2):

PreventionGenetics, part of Exact Sciences
Classification: Likely benign for FHOD3-related condition. Last evaluated: 2026-01-12. Review status: criteria provided, single submitter. Criteria: ACMG Guidelines, 2015. Collection method: clinical testing. Allele origin: germline.
Comment: This variant is classified as likely benign based on ACMG/AMP sequence variant interpretation guidelines (Richards et al. 2015 PMID: 25741868, with internal and published modifications).

Blueprint Genetics
Classification: Likely benign. Last evaluated: 2024-10-30. Review status: criteria provided, single submitter. Criteria: ACMG Guidelines, 2015. Collection method: clinical testing. Allele origin: germline.